The following is an entry in ClinVar:

NM_021620.4(PRDM13):c.1214_1215del (p.Val405fs)

Gene: PRDM13 (PR/SET domain 13; plus strand). Cytogenetic location: 6q16.2.
Variant type: Deletion.
Coding change: c.1214_1215del on transcript NM_021620.4 (MANE Select); coding-DNA positions 1214 to 1215, 2 bases deleted (TG; older notation c.1214_1215delTG).
Protein change: p.Val405fs; shifts the reading frame from valine 405.
Molecular consequence: frameshift variant.
Genome position (GRCh38, 1-based): chr6:99,613,849-99,613,850, TG deleted; deleting any 2 consecutive bases within chr6:99,613,848-99,613,850 gives the same sequence; the c. name uses the placement nearest the transcript's 3' end. VCF-style (leftmost placement, unchanged base first): chr6-99613847-CGT-C. GRCh37 (hg19) VCF-style: chr6-100061723-CGT-C.
Other names: short protein forms V405fs.
Identifiers: ClinVar variation 1947198 (VCV001947198.5), dbSNP rs2538546512, ClinGen allele CA2578699071.

ClinVar aggregate classification (germline): Uncertain significance (1 of 4 stars; one submission).

Submission:

Labcorp Genetics (formerly Invitae), Labcorp
Classification: Uncertain significance. Last evaluated: 2022-10-13. Review status: criteria provided, single submitter. Criteria: Invitae Variant Classification Sherloc (09022015). Collection method: clinical testing. Allele origin: germline.
Comment: In summary, the available evidence is currently insufficient to determine the role of this variant in disease. Therefore, it has been classified as a Variant of Uncertain Significance. Experimental studies and prediction algorithms are not available or were not evaluated, and the functional significance of this variant is currently unknown. This variant has not been reported in the literature in individuals affected with PRDM13-related conditions. This variant is not present in population databases (gnomAD no frequency). This sequence change creates a premature translational stop signal (p.Val405Glyfs*46) in the PRDM13 gene. While this is not anticipated to result in nonsense mediated decay, it is expected to disrupt the last 303 amino acid(s) of the PRDM13 protein.